The following is an entry in ClinVar:

NM_001853.4(COL9A3):c.109C>T (p.Pro37Ser)

Gene: COL9A3 (collagen type IX alpha 3 chain; plus strand). Cytogenetic location: 20q13.33.
Variant type: single nucleotide variant.
Coding change: c.109C>T on transcript NM_001853.4 (MANE Select); coding-DNA position 109, C replaced by T.
Protein change: p.Pro37Ser; replaces proline 37 with serine.
Molecular consequence: missense variant.
Genome position (GRCh38, 1-based): chr20:62,817,597, C>T. VCF-style: chr20-62817597-C-T. GRCh37 (hg19) VCF-style: chr20-61448949-C-T.
Other names: short protein forms P37S.
Identifiers: ClinVar variation 1196974 (VCV001196974.9), dbSNP rs977898091, ClinGen allele CA409587124.

ClinVar aggregate classification (germline): Uncertain significance. Review status: criteria provided, multiple submitters, no conflicts (2 of 4 stars). 3 submissions from 3 submitters: Uncertain significance (3). Last evaluated 2025-11-24.

Conditions:
Inborn genetic diseases. Identifiers: MedGen C0950123, MeSH D030342.

Allele frequency attached by ClinVar (database versions not stated): gnomAD exomes 0.00001.
gnomAD v4.1: 11 of 1,547,206 alleles (0.00071%); highest among the groups gnomAD compares: East Asian, 0.0049%; no homozygotes.

Submissions (3):

Ambry Genetics
Classification: Uncertain significance for Inborn genetic diseases. Last evaluated: 2025-11-24. Review status: criteria provided, single submitter. Criteria: Ambry Variant Classification Scheme 2023. Collection method: clinical testing. Allele origin: germline.

Labcorp Genetics (formerly Invitae), Labcorp
Classification: Uncertain significance. Last evaluated: 2025-11-06. Review status: criteria provided, single submitter. Criteria: Invitae Variant Classification Sherloc (09022015). Collection method: clinical testing. Allele origin: germline.
Comment: This sequence change replaces proline, which is neutral and non-polar, with serine, which is neutral and polar, at codon 37 of the COL9A3 protein (p.Pro37Ser). This variant is present in population databases (no rsID available, gnomAD 0.009%). This variant has not been reported in the literature in individuals affected with COL9A3-related conditions. ClinVar contains an entry for this variant (Variation ID: 1196974). Invitae Evidence Modeling of protein sequence and biophysical properties (such as structural, functional, and spatial information, amino acid conservation, physicochemical variation, residue mobility, and thermodynamic stability) indicates that this missense variant is not expected to disrupt COL9A3 protein function with a negative predictive value of 95%. In summary, the available evidence is currently insufficient to determine the role of this variant in disease. Therefore, it has been classified as a Variant of Uncertain Significance.

GeneDx
Classification: Uncertain significance. Last evaluated: 2021-02-02. Review status: criteria provided, single submitter. Criteria: GeneDx Variant Classification Process June 2021. Collection method: clinical testing. Allele origin: germline. Affected: yes.
Comment: Has not been previously published as pathogenic or benign to our knowledge; Not observed at a significant frequency in large population cohorts (Lek et al., 2016); In silico analysis supports that this variant does not alter protein structure/function